The following is an entry in ClinVar:

NM_182972.3(IRF2BP2):c.1555G>T (p.Val519Leu)

Gene: IRF2BP2 (interferon regulatory factor 2 binding protein 2; minus strand). Cytogenetic location: 1q42.3.
Variant type: single nucleotide variant.
Coding change: c.1555G>T on transcript NM_182972.3 (MANE Select); coding-DNA position 1555, G replaced by T.
Protein change: p.Val519Leu; replaces valine 519 with leucine.
Molecular consequence: missense variant.
Genome position (GRCh38, 1-based): chr1:234,607,346, C>A on the plus strand (G>T on the coding strand, the complement: IRF2BP2 is on the minus strand). VCF-style: chr1-234607346-C-A. GRCh37 (hg19) VCF-style: chr1-234743092-C-A.
Other names: c.1507G>T, p.Val503Leu (NM_001077397.1); short protein forms V519L, V503L.
Identifiers: ClinVar variation 2011682 (VCV002011682.4), dbSNP rs2528513558, ClinGen allele CA345305248.

ClinVar aggregate classification (germline): Uncertain significance (1 of 4 stars; one submission).

Submission:

Labcorp Genetics (formerly Invitae), Labcorp
Classification: Uncertain significance. Last evaluated: 2022-06-28. Review status: criteria provided, single submitter. Criteria: Invitae Variant Classification Sherloc (09022015). Collection method: clinical testing. Allele origin: germline.
Comment: In summary, the available evidence is currently insufficient to determine the role of this variant in disease. Therefore, it has been classified as a Variant of Uncertain Significance. Algorithms developed to predict the effect of missense changes on protein structure and function (SIFT, PolyPhen-2, Align-GVGD) all suggest that this variant is likely to be disruptive. This variant has not been reported in the literature in individuals affected with IRF2BP2-related conditions. This variant is not present in population databases (gnomAD no frequency). This sequence change replaces valine, which is neutral and non-polar, with leucine, which is neutral and non-polar, at codon 519 of the IRF2BP2 protein (p.Val519Leu).